The following is an entry in ClinVar:

ClinVar aggregate classification (germline): Likely pathogenic (1 of 4 stars; one submission).

Conditions:
Brachyolmia-amelogenesis imperfecta syndrome. Also called: Tooth agenesis, selective, 6; Dental anomalies and short stature; PLATYSPONDYLY WITH AMELOGENESIS IMPERFECTA. Identifiers: Orphanet 2899, MedGen C1832594, MONDO:0011018, OMIM 601216. Disease mechanism: loss of function.

Submission:

Labcorp Genetics (formerly Invitae), Labcorp
Classification: Likely pathogenic for Brachyolmia-amelogenesis imperfecta syndrome. Last evaluated: 2025-06-03. Review status: criteria provided, single submitter. Criteria: Invitae Variant Classification Sherloc (09022015). Collection method: clinical testing. Allele origin: germline.
Comment: This variant results in the deletion of part of exon 2 (c.646_661+26del) of the LTBP3 gene. It is expected to disrupt RNA splicing. Variants that disrupt the donor or acceptor splice site typically lead to a loss of protein function (PMID: 16199547), and loss-of-function variants in LTBP3 are known to be pathogenic (PMID: 11790802, 19344874, 25669657). This variant is not present in population databases (gnomAD no frequency). This variant has not been reported in the literature in individuals affected with LTBP3-related conditions. ClinVar contains an entry for this variant (Variation ID: 2867500). In summary, the currently available evidence indicates that the variant is pathogenic, but additional data are needed to prove that conclusively. Therefore, this variant has been classified as Likely Pathogenic.

Literature cited by the submitters: PubMed 16199547; PubMed 11790802; PubMed 19344874; PubMed 25669657.

NM_001130144.3(LTBP3):c.646_661+26del

Gene: LTBP3 (latent transforming growth factor beta binding protein 3; minus strand). Cytogenetic location: 11q13.1.
Variant type: Deletion.
Coding change: c.646_661+26del on transcript NM_001130144.3 (MANE Select); coding-DNA position 646 through 26 bases into the intron after coding-DNA position 661, 42 bases deleted.
Molecular consequence: splice donor variant.
Genome position (GRCh38, 1-based): chr11:65,554,025-65,554,066, 42 bases deleted; deleting any 42 consecutive bases within chr11:65,554,025-65,554,073 gives the same sequence; the c. name uses the placement nearest the transcript's 3' end. GRCh37 (hg19): chr11:65,321,503-65,321,544.
Other names: c.295_310+26del (NM_001164266.1); c.646_661+26del (NM_021070.4).
Identifiers: ClinVar variation 2867500 (VCV002867500.3), dbSNP rs2496177262, ClinGen allele CA2739270536.